The following is an entry in ClinVar:

ClinVar aggregate classification (germline): Uncertain significance (1 of 4 stars; one submission).

Conditions:
Emery-Dreifuss muscular dystrophy 4, autosomal dominant (EDMD4). Also called: EMERY-DREIFUSS MUSCULAR DYSTROPHY 4 WITH VARIABLE FEATURES. Identifiers: Orphanet 261, MedGen C2751807, MONDO:0013071, OMIM 612998.
Autosomal recessive ataxia, Beauce type. Also called: SYNE1-Related Autosomal Recessive Cerebellar Ataxia; Spinocerebellar ataxia, autosomal recessive 8; ATAXIA, RECESSIVE, OF BEAUCE; SYNE1 Deficiency. Identifiers: Orphanet 88644, MedGen C1853116, MONDO:0012549, OMIM 610743.

gnomAD v4.1: 2 of 1,614,106 alleles (0.00012%); highest among the groups gnomAD compares: Non-Finnish European, 0.00017%; no homozygotes.

Submission:

Labcorp Genetics (formerly Invitae), Labcorp
Classification: Uncertain significance for Emery-Dreifuss muscular dystrophy 4, autosomal dominant; Autosomal recessive ataxia, Beauce type. Last evaluated: 2024-04-05. Review status: criteria provided, single submitter. Criteria: Invitae Variant Classification Sherloc (09022015). Collection method: clinical testing. Allele origin: germline.
Comment: This sequence change replaces arginine, which is basic and polar, with leucine, which is neutral and non-polar, at codon 4408 of the SYNE1 protein (p.Arg4408Leu). This variant is not present in population databases (gnomAD no frequency). This variant has not been reported in the literature in individuals affected with SYNE1-related conditions. ClinVar contains an entry for this variant (Variation ID: 568434). An algorithm developed to predict the effect of missense changes on protein structure and function (PolyPhen-2) suggests that this variant¬¨‚Ä†is likely to be tolerated. In summary, the available evidence is currently insufficient to determine the role of this variant in disease. Therefore, it has been classified as a Variant of Uncertain Significance.

NM_182961.4(SYNE1):c.13436G>T (p.Arg4479Leu)

Gene: SYNE1 (spectrin repeat containing nuclear envelope protein 1; minus strand). Cytogenetic location: 6q25.2.
Variant type: single nucleotide variant.
Coding change: c.13436G>T on transcript NM_182961.4 (MANE Select); coding-DNA position 13436, G replaced by T.
Protein change: p.Arg4479Leu; replaces arginine 4479 with leucine.
Molecular consequence: missense variant.
Genome position (GRCh38, 1-based): chr6:152,331,249, C>A on the plus strand (G>T on the coding strand, the complement: SYNE1 is on the minus strand). VCF-style: chr6-152331249-C-A. GRCh37 (hg19) VCF-style: chr6-152652384-C-A.
Other names: c.13223G>T, p.Arg4408Leu (NM_033071.5); short protein forms R4479L, R4408L.
Identifiers: ClinVar variation 568434 (VCV000568434.7), dbSNP rs768085752, ClinGen allele CA366101690.
Genomic context (GRCh38, chr6:152,331,249, plus strand): 5'-GCACTCTTACATGTTTTGACTTGTTTGCTCACATCATCTGGTAACAGACAGATGTGTTCA[C>A]GGAACATTATCTTTCGCTCATGTTGCTGAATTTGGCTGGTGGCCTGGAACACTGCCATGA-3'
Protein context (NP_892006.3, residues 4469-4489): IQQHERKIMF[Arg4479Leu]EHICLLPDDV